The following is an entry in ClinVar:

ClinVar aggregate classification (germline): Uncertain significance (1 of 4 stars; one submission).

Submission:

Labcorp Genetics (formerly Invitae), Labcorp
Classification: Uncertain significance. Last evaluated: 2025-10-23. Review status: criteria provided, single submitter. Criteria: Invitae Variant Classification Sherloc (09022015). Collection method: clinical testing. Allele origin: germline.
Comment: This sequence change replaces arginine, which is basic and polar, with tryptophan, which is neutral and slightly polar, at codon 253 of the RELA protein (p.Arg253Trp). This variant is not present in population databases (gnomAD no frequency). This variant has not been reported in the literature in individuals affected with RELA-related conditions. An algorithm developed to predict the effect of missense changes on protein structure and function (PolyPhen-2) suggests that this variant is likely to be disruptive. In summary, the available evidence is currently insufficient to determine the role of this variant in disease. Therefore, it has been classified as a Variant of Uncertain Significance.

NM_021975.4(RELA):c.757C>T (p.Arg253Trp)

Gene: RELA (RELA proto-oncogene, NF-kB subunit; minus strand). Cytogenetic location: 11q13.1.
Variant type: single nucleotide variant.
Coding change: c.757C>T on transcript NM_021975.4 (MANE Select); coding-DNA position 757, C replaced by T.
Protein change: p.Arg253Trp; replaces arginine 253 with tryptophan.
Molecular consequence: missense variant. On other transcripts: intron variant (2).
Genome position (GRCh38, 1-based): chr11:65,658,407, G>A on the plus strand (C>T on the coding strand, the complement: RELA is on the minus strand). VCF-style: chr11-65658407-G-A. GRCh37 (hg19) VCF-style: chr11-65425878-G-A.
Other names: c.748C>T, p.Arg250Trp (NM_001145138.2); c.757C>T, p.Arg253Trp (NM_001243984.2, NM_001243985.2); c.790C>T, p.Arg264Trp (NM_001404657.1); c.730C>T, p.Arg244Trp (NM_001404658.1); c.376C>T, p.Arg126Trp (NM_001404661.1); c.664C>T, p.Arg222Trp (NM_001404662.1, NM_001404663.1); c.559+1259C>T (NM_001404660.1); c.664+311C>T (NM_001404659.1); short protein forms R126W, R222W, R244W, R250W, R253W, R264W.
Identifiers: ClinVar variation 4805621 (VCV004805621.1).